The following is an entry in ClinVar:

NM_001365276.2(TNXB):c.2779+1176C>T

Gene: TNXB (tenascin XB; minus strand). Cytogenetic location: 6p21.33.
Variant type: single nucleotide variant.
Coding change: c.2779+1176C>T on transcript NM_001365276.2 (MANE Select); 1176 bases into the intron after coding-DNA position 2779, C replaced by T.
Molecular consequence: intron variant. On other transcripts: synonymous variant (1).
Genome position (GRCh38, 1-based): chr6:32,087,609, G>A on the plus strand (C>T on the coding strand, the complement: TNXB is on the minus strand). VCF-style: chr6-32087609-G-A. GRCh37 (hg19) VCF-style: chr6-32055386-G-A.
Other names: c.3162C>T, p.Thr1054= (NM_001428335.1); c.2779+1176C>T (NM_019105.8).
Identifiers: ClinVar variation 4084597 (VCV004084597.8).

ClinVar aggregate classification (germline): Likely benign (1 of 4 stars; one submission).

gnomAD v4.1: 133 of 399,102 alleles (0.033%); highest among the groups gnomAD compares: South Asian, 0.24%; 1 homozygote.

Submission:

CeGaT Center for Human Genetics Tuebingen
Classification: Likely benign. Last evaluated: 2025-07-01. Review status: criteria provided, single submitter. Criteria: CeGaT Center For Human Genetics Tuebingen Variant Classification Criteria Version 2. Collection method: clinical testing. Allele origin: germline. Affected: yes. Observed: 1 variant allele.
Comment: TNXB: BP4, BP7